The following is an entry in ClinVar:

NM_005219.5(DIAPH1):c.*5G>T

Gene: DIAPH1 (diaphanous related formin 1; minus strand). Cytogenetic location: 5q31.3.
Variant type: single nucleotide variant.
Coding change: c.*5G>T on transcript NM_005219.5 (MANE Select); 5 bases downstream of the stop codon, G replaced by T.
Molecular consequence: 3 prime UTR variant.
Genome position (GRCh38, 1-based): chr5:141,516,846, C>A on the plus strand (G>T on the coding strand, the complement: DIAPH1 is on the minus strand). VCF-style: chr5-141516846-C-A. GRCh37 (hg19) VCF-style: chr5-140896413-C-A.
Other names: c.*5G>T (NM_001079812.3); c.*124G>T (NM_001314007.2).
Identifiers: ClinVar variation 1185939 (VCV001185939.5), dbSNP rs368263785, ClinGen allele CA3478654.
Genomic context (GRCh38, chr5:141,516,846, plus strand): 5'-CACATGCTGCAGGGCAGGACAGTCTGCGGCTCCGCTGAGGAGCTGCCGCGGTCACAGGAC[C>A]CACATTAGCTTGCACGGCCAACCAACTCCTTGGCTTCCTCAAGGATTGTGGGGAATGTCT-3'

ClinVar aggregate classification (germline): Likely benign (1 of 4 stars; one submission).

Allele frequency attached by ClinVar (database versions not stated): gnomAD exomes 0.00005 and 0.00015; ExAC 0.00015; 1000 Genomes Project 30x 0.00016; 1000 Genomes Project 0.00020; gnomAD 0.00045 and 0.00051; ESP Exome Variant Server 0.00056; TOPMed 0.00069.
gnomAD v4.1: 150 of 1,614,026 alleles (0.0093%); highest among the groups gnomAD compares: African/African-American, 0.18%; no homozygotes.

Submission:

GeneDx
Classification: Likely benign. Last evaluated: 2025-05-14. Review status: criteria provided, single submitter. Criteria: GeneDx Variant Classification Process June 2021. Collection method: clinical testing. Allele origin: germline. Affected: yes.
Comment: See Variant Classification Assertion Criteria.